The following is an entry in ClinVar:

NM_001024630.4(RUNX2):c.174_185dup (p.Gln68_Gln71dup)

Genes: RUNX2 (RUNX family transcription factor 2; plus strand), LOC109611589 (runt related transcription factor 2 polyalanine expansion region; plus strand). Cytogenetic location: 6p21.1.
Variant type: Duplication.
Coding change: c.174_185dup on transcript NM_001024630.4 (MANE Select); coding-DNA positions 174 to 185, 12 bases duplicated (ACAGCAGCAGCA).
Protein change: p.Gln68_Gln71dup.
Molecular consequence: inframe insertion.
Genome position (GRCh38, 1-based): chr6:45,422,708-45,422,719, ACAGCAGCAGCA duplicated; duplicating any 12 consecutive bases within chr6:45,422,697-45,422,719 gives the same sequence; the c. name uses the placement nearest the transcript's 3' end. VCF-style (leftmost placement, unchanged base first): chr6-45422696-G-GCAGCAGCAGCAA. GRCh37 (hg19) VCF-style: chr6-45390433-G-GCAGCAGCAGCAA.
Other names: c.174_185dup, p.Gln68_Gln71dup (NM_001015051.4); c.132_143dup, p.Gln54_Gln57dup (NM_001278478.2, NM_001369405.1).
Identifiers: ClinVar variation 1329578 (VCV001329578.10), dbSNP rs773265213, ClinGen allele CA3836281.
Genomic context (GRCh38, chr6:45,422,696, plus strand): 5'-GCAGCCCGGCAAAATGAGCGACGTGAGCCCGGTGGTGGCTGCGCAACAGCAGCAGCAACA[G>GCAGCAGCAGCAA]CAGCAGCAGCAACAGCAGCAGCAGCAGCAGCAACAGCAGCAGCAGCAGCAGGAGGCGGCG-3'

ClinVar aggregate classification (germline): Conflicting classifications of pathogenicity. Review status: criteria provided, conflicting classifications (1 of 4 stars). 4 submissions from 4 submitters: Uncertain significance (1); Likely benign (3). Last evaluated 2026-01-07.

Submissions (4):

GeneDx
Classification: Likely benign. Last evaluated: 2026-01-07. Review status: criteria provided, single submitter. Criteria: GeneDx Variant Classification Process June 2021. Collection method: clinical testing. Allele origin: germline. Affected: yes.
Comment: See Variant Classification Assertion Criteria.

Labcorp Genetics (formerly Invitae), Labcorp
Classification: Uncertain significance. Last evaluated: 2026-01-01. Review status: criteria provided, single submitter. Criteria: Invitae Variant Classification Sherloc (09022015). Collection method: clinical testing. Allele origin: germline.
Comment: This variant, c.174_185dup, results in the insertion of 4 amino acid(s) of the RUNX2 protein (p.Gln68_Gln71dup), but otherwise preserves the integrity of the reading frame. The frequency data for this variant in the population databases is considered unreliable, as metrics indicate poor data quality at this position in the gnomAD database. This variant has been observed in individual(s) with cleidocranial dysplasia (PMID: 25852448). This variant is also known as p.Q71_E72insQQQQ. ClinVar contains an entry for this variant (Variation ID: 1329578). Algorithms developed to predict the effect of variants on gene product structure and function are not available or were not evaluated for this variant. Experimental studies have shown that this variant affects RUNX2 function (PMID: 25852448). In summary, the available evidence is currently insufficient to determine the role of this variant in disease. Therefore, it has been classified as a Variant of Uncertain Significance.

Laboratory of Genetics, Children's Clinical University Hospital Latvia
Classification: Likely benign. Last evaluated: 2025-02-16. Review status: criteria provided, single submitter. Criteria: ACMG Guidelines, 2015. Collection method: clinical testing. Allele origin: germline. Affected: yes.

Blueprint Genetics
Classification: Likely benign. Last evaluated: 2024-09-06. Review status: criteria provided, single submitter. Criteria: ACMG Guidelines, 2015. Collection method: clinical testing. Allele origin: germline.

Literature cited by the submitters: PubMed 25852448 (cited by Labcorp Genetics (formerly Invitae), Labcorp).